The following is an entry in ClinVar:

NM_000088.4(COL1A1):c.316G>T (p.Glu106Ter)

Gene: COL1A1 (collagen type I alpha 1 chain; minus strand). Cytogenetic location: 17q21.33.
Variant type: single nucleotide variant.
Coding change: c.316G>T on transcript NM_000088.4 (MANE Select); coding-DNA position 316, G replaced by T.
Protein change: p.Glu106Ter; replaces glutamic acid 106 with a stop codon.
Molecular consequence: nonsense.
Genome position (GRCh38, 1-based): chr17:50,199,573, C>A on the plus strand (G>T on the coding strand, the complement: COL1A1 is on the minus strand). VCF-style: chr17-50199573-C-A. GRCh37 (hg19) VCF-style: chr17-48276934-C-A.
Other names: short protein forms E106*.
Identifiers: ClinVar variation 1678553 (VCV001678553.2), dbSNP rs2144592516, ClinGen allele CA400227884.

ClinVar aggregate classification (germline): Pathogenic (1 of 4 stars; one submission).

Conditions:
Osteogenesis imperfecta type I (OI1). Also called: Lobstein's Disease; Osteogenesis imperfecta type 1; Classic Non-deforming Osteogenesis Imperfecta with Blue Sclerae; OI, TYPE I; OSTEOGENESIS IMPERFECTA TARDA; OSTEOGENESIS IMPERFECTA WITH BLUE SCLERAE. Identifiers: Orphanet 216796, Orphanet 666, MedGen C0023931, MONDO:0008146, OMIM 166200. Disease mechanism: loss of function.

Submission:

Molecular Genetics, Royal Melbourne Hospital
Classification: Pathogenic for Osteogenesis imperfecta type I. Last evaluated: 2023-03-30. Review status: criteria provided, single submitter. Criteria: ACMG Guidelines, 2015. Collection method: clinical testing. Allele origin: germline. Affected: yes.
Comment: This sequence change creates a premature termination codon at position 106 in exon 3 (of 51) of COL1A1 (p.(Glu106*)). It is expected to result in nonsense mediated decay, and loss of function is a well-established mechanism of disease for this gene (ClinVar). The variant is absent in a large population cohort (gnomAD v2.1 and v3.1), and has not been reported in the relevant medical literature or databases. Based on the classification scheme RMH Modified ACMG Guidelines v1.3.1, this variant is classified as PATHOGENIC. Following criteria are met: PVS1, PS4_Supporting, PM2_Supporting.